The following is an entry in ClinVar:

NM_002435.3(MPI):c.150G>A (p.Trp50Ter)

Gene: MPI (mannose phosphate isomerase; plus strand). Cytogenetic location: 15q24.1.
Variant type: single nucleotide variant.
Coding change: c.150G>A on transcript NM_002435.3 (MANE Select); coding-DNA position 150, G replaced by A.
Protein change: p.Trp50Ter; replaces tryptophan 50 with a stop codon.
Molecular consequence: nonsense. On other transcripts: 5 prime UTR variant (1).
Genome position (GRCh38, 1-based): chr15:74,891,384, G>A. VCF-style: chr15-74891384-G-A. GRCh37 (hg19) VCF-style: chr15-75183725-G-A.
Other names: c.-1G>A (NM_001289156.2); c.150G>A, p.Trp50Ter (NM_001289157.2, NM_001289155.2); c.90G>A, p.Trp30Ter (NM_001330372.2); short protein forms W30*, W50*.
Identifiers: ClinVar variation 1376774 (VCV001376774.6), dbSNP rs1406722622, ClinGen allele CA393170700.

ClinVar aggregate classification (germline): Pathogenic (1 of 4 stars; one submission).

Conditions:
MPI-congenital disorder of glycosylation. Also called: PROTEIN-LOSING ENTEROPATHY-HEPATIC FIBROSIS SYNDROME; MPI-CDG; CDG Ib; CONGENITAL DISORDER OF GLYCOSYLATION, TYPE Ib; MANNOSEPHOSPHATE ISOMERASE DEFICIENCY; MPI DEFICIENCY. Identifiers: Orphanet 79319, MedGen C1865145, MONDO:0011257, OMIM 602579.

Allele frequency attached by ClinVar (database versions not stated): gnomAD exomes below 0.00001.

Submission:

Labcorp Genetics (formerly Invitae), Labcorp
Classification: Pathogenic for MPI-congenital disorder of glycosylation. Last evaluated: 2021-11-13. Review status: criteria provided, single submitter. Criteria: Invitae Variant Classification Sherloc (09022015). Collection method: clinical testing. Allele origin: germline.
Comment: This sequence change creates a premature translational stop signal (p.Trp50*) in the MPI gene. It is expected to result in an absent or disrupted protein product. Loss-of-function variants in MPI are known to be pathogenic (PMID: 19862844). This variant is present in population databases (no rsID available, gnomAD 0.0009%). This variant has not been reported in the literature in individuals affected with MPI-related conditions. For these reasons, this variant has been classified as Pathogenic.

Literature cited by the submitters: PubMed 19862844.